The following is an entry in ClinVar:

ClinVar aggregate classification (germline): Uncertain significance (1 of 4 stars; one submission).

Allele frequency attached by ClinVar (database versions not stated): gnomAD exomes below 0.00001; TOPMed below 0.00001; ExAC 0.00001.
gnomAD v4.1: 1 of 1,613,364 alleles (0.000062%); highest among the groups gnomAD compares: South Asian, 0.0011%; no homozygotes.

Submission:

GeneDx
Classification: Uncertain significance. Last evaluated: 2022-03-23. Review status: criteria provided, single submitter. Criteria: GeneDx Variant Classification Process June 2021. Collection method: clinical testing. Allele origin: germline. Affected: yes.
Comment: Not observed at significant frequency in large population cohorts (gnomAD); Nonsense variant predicted to result in protein truncation as the last 76 amino acids are lost, although loss-of-function variants have not been reported downstream of this position in the protein; Has not been previously published as pathogenic or benign to our knowledge

NM_001365536.1(SCN9A):c.5738C>G (p.Ser1913Ter)

Genes: SCN1A-AS1 (SCN1A and SCN9A antisense RNA 1; plus strand), SCN9A (sodium voltage-gated channel alpha subunit 9; minus strand). Cytogenetic location: 2q24.3.
Variant type: single nucleotide variant.
Coding change: c.5738C>G on transcript NM_001365536.1 (MANE Select); coding-DNA position 5738, C replaced by G.
Protein change: p.Ser1913Ter; replaces serine 1913 with a stop codon.
Molecular consequence: nonsense.
Genome position (GRCh38, 1-based): chr2:166,198,901, G>C on the plus strand (C>G on the coding strand, the complement: SCN9A is on the minus strand). VCF-style: chr2-166198901-G-C. GRCh37 (hg19) VCF-style: chr2-167055411-G-C.
Other names: c.5705C>G, p.Ser1902Ter (NM_002977.4); short protein forms S1902*, S1913*.
Identifiers: ClinVar variation 1707027 (VCV001707027.2), dbSNP rs763201215, ClinGen allele CA1943623.
Genomic context (GRCh38, chr2:166,198,901, plus strand): 5'-GCCATATCTTTTTTATTGAGTAAATCATCATCTCTGTCTCCATCTTTTATGTATATACTT[G>C]ATATATTTTTGACATTTTGCCTTAAGCGGTAACGTCTATAAGCACGCTGAATGACAGTAG-3'